The following is an entry in ClinVar:

ClinVar aggregate classification (germline): Uncertain significance (1 of 4 stars; one submission).

Conditions:
Intellectual disability, autosomal recessive 53 (NEDHSCA). Also called: NEURODEVELOPMENTAL DISORDER WITH OR WITHOUT HYPOTONIA, SEIZURES, AND CEREBELLAR ATROPHY; GLYCOSYLPHOSPHATIDYLINOSITOL BIOSYNTHESIS DEFECT 13; Mental retardation, autosomal recessive 53. Identifiers: Orphanet 488635, MedGen C4310794, MONDO:0014832, OMIM 616917.

Allele frequency attached by ClinVar (database versions not stated): gnomAD exomes below 0.00001; TOPMed below 0.00001.
gnomAD v4.1: 3 of 1,613,266 alleles (0.00019%); highest among the groups gnomAD compares: South Asian, 0.0011%; no homozygotes.

Submission:

Labcorp Genetics (formerly Invitae), Labcorp
Classification: Uncertain significance for Intellectual disability, autosomal recessive 53. Last evaluated: 2020-05-21. Review status: criteria provided, single submitter. Criteria: Invitae Variant Classification Sherloc (09022015). Collection method: clinical testing. Allele origin: germline.
Comment: In summary, the available evidence is currently insufficient to determine the role of this variant in disease. Therefore, it has been classified as a Variant of Uncertain Significance. Algorithms developed to predict the effect of missense changes on protein structure and function are either unavailable or do not agree on the potential impact of this missense change (SIFT: "Tolerated"; PolyPhen-2: "Probably Damaging"; Align-GVGD: "Class C0"). This variant has not been reported in the literature in individuals with PIGG-related conditions. This variant is not present in population databases (ExAC no frequency). This sequence change replaces methionine with isoleucine at codon 845 of the PIGG protein (p.Met845Ile). The methionine residue is moderately conserved and there is a small physicochemical difference between methionine and isoleucine.

NM_001127178.3(PIGG):c.2535G>A (p.Met845Ile)

Gene: PIGG (phosphatidylinositol glycan anchor biosynthesis class G (EMM blood group); plus strand). Cytogenetic location: 4p16.3.
Variant type: single nucleotide variant.
Coding change: c.2535G>A on transcript NM_001127178.3 (MANE Select); coding-DNA position 2535, G replaced by A.
Protein change: p.Met845Ile; replaces methionine 845 with isoleucine.
Molecular consequence: missense variant. On other transcripts: non-coding transcript variant (6).
Genome position (GRCh38, 1-based): chr4:530,709, G>A. VCF-style: chr4-530709-G-A. GRCh37 (hg19) VCF-style: chr4-524498-G-A.
Other names: c.2268G>A, p.Met756Ile (NM_001289051.2, NM_001345986.2); c.2136G>A, p.Met712Ile (NM_001289052.2); c.2244G>A, p.Met748Ile (NM_001345987.2); c.1506G>A, p.Met502Ile (NM_001345988.2); c.1002G>A, p.Met334Ile (NM_001345990.2, NM_001345991.2); c.1437G>A, p.Met479Ile (NM_001345994.2); c.2511G>A, p.Met837Ile (NM_017733.5); short protein forms M334I, M479I, M502I, M712I, M748I, M756I, M837I, M845I.
Identifiers: ClinVar variation 1015019 (VCV001015019.8), dbSNP rs1373017326, ClinGen allele CA355910369.